The following is an entry in ClinVar:

NM_004387.4(NKX2-5):c.544G>C (p.Val182Leu)

Gene: NKX2-5 (NK2 homeobox 5; minus strand). Cytogenetic location: 5q35.1.
Variant type: single nucleotide variant.
Coding change: c.544G>C on transcript NM_004387.4 (MANE Select); coding-DNA position 544, G replaced by C.
Protein change: p.Val182Leu; replaces valine 182 with leucine.
Molecular consequence: missense variant. On other transcripts: 3 prime UTR variant (2).
Genome position (GRCh38, 1-based): chr5:173,233,000, C>G on the plus strand (G>C on the coding strand, the complement: NKX2-5 is on the minus strand). VCF-style: chr5-173233000-C-G. GRCh37 (hg19) VCF-style: chr5-172660003-C-G.
Other names: c.*497G>C (NM_001166175.2); c.*343G>C (NM_001166176.2); short protein forms V182L.
Identifiers: ClinVar variation 3257530 (VCV003257530.17).

ClinVar aggregate classification (germline): Uncertain significance (1 of 4 stars; one submission).

Submission:

CeGaT Center for Human Genetics Tuebingen
Classification: Uncertain significance. Last evaluated: 2024-07-01. Review status: criteria provided, single submitter. Criteria: CeGaT Center For Human Genetics Tuebingen Variant Classification Criteria Version 2. Collection method: clinical testing. Allele origin: germline. Affected: yes. Observed: 1 variant allele.
Comment: NKX2-5: PM2, PP3